The following is an entry in ClinVar:

ClinVar aggregate classification (germline): Uncertain significance (1 of 4 stars; one submission).

Conditions:
Nephronophthisis 14 (NPHP14). Identifiers: Orphanet 2318, MedGen C3539071, MONDO:0013916, OMIM 614844.

gnomAD v4.1: 6 of 1,614,130 alleles (0.00037%); highest among the groups gnomAD compares: East Asian, 0.0022%; no homozygotes.

Submission:

Labcorp Genetics (formerly Invitae), Labcorp
Classification: Uncertain significance for Nephronophthisis 14. Last evaluated: 2024-03-18. Review status: criteria provided, single submitter. Criteria: Invitae Variant Classification Sherloc (09022015). Collection method: clinical testing. Allele origin: germline.
Comment: This sequence change replaces glycine, which is neutral and non-polar, with valine, which is neutral and non-polar, at codon 132 of the ZNF423 protein (p.Gly132Val). This variant is not present in population databases (gnomAD no frequency). This variant has not been reported in the literature in individuals affected with ZNF423-related conditions. ClinVar contains an entry for this variant (Variation ID: 1062538). Advanced modeling of protein sequence and biophysical properties (such as structural, functional, and spatial information, amino acid conservation, physicochemical variation, residue mobility, and thermodynamic stability) performed at Invitae indicates that this missense variant is not expected to disrupt ZNF423 protein function with a negative predictive value of 80%. In summary, the available evidence is currently insufficient to determine the role of this variant in disease. Therefore, it has been classified as a Variant of Uncertain Significance.

NM_001379286.1(ZNF423):c.419G>T (p.Gly140Val)

Gene: ZNF423 (zinc finger protein 423; minus strand). Cytogenetic location: 16q12.1.
Variant type: single nucleotide variant.
Coding change: c.419G>T on transcript NM_001379286.1 (MANE Select); coding-DNA position 419, G replaced by T.
Protein change: p.Gly140Val; replaces glycine 140 with valine.
Molecular consequence: missense variant.
Genome position (GRCh38, 1-based): chr16:49,638,757, C>A on the plus strand (G>T on the coding strand, the complement: ZNF423 is on the minus strand). VCF-style: chr16-49638757-C-A. GRCh37 (hg19) VCF-style: chr16-49672668-C-A.
Other names: c.215G>T, p.Gly72Val (NM_001271620.2); c.44G>T, p.Gly15Val (NM_001330533.2); c.395G>T, p.Gly132Val (NM_015069.5); short protein forms G132V, G140V, G15V, G72V.
Identifiers: ClinVar variation 1062538 (VCV001062538.9), dbSNP rs2151887973, ClinGen allele CA395852529.